The following is an entry in ClinVar:

ClinVar aggregate classification (germline): Uncertain significance (1 of 4 stars; one submission).

Conditions:
Hereditary nonpolyposis colorectal neoplasms. Identifiers: MedGen C0009405, MeSH D003123.

Submission:

Labcorp Genetics (formerly Invitae), Labcorp
Classification: Uncertain significance for Hereditary nonpolyposis colorectal neoplasms. Last evaluated: 2024-07-23. Review status: criteria provided, single submitter. Criteria: Invitae Variant Classification Sherloc (09022015). Collection method: clinical testing. Allele origin: germline.
Comment: This sequence change replaces glutamic acid, which is acidic and polar, with alanine, which is neutral and non-polar, at codon 1341 of the MSH6 protein (p.Glu1341Ala). This variant is not present in population databases (gnomAD no frequency). This variant has not been reported in the literature in individuals affected with MSH6-related conditions. Advanced modeling of protein sequence and biophysical properties (such as structural, functional, and spatial information, amino acid conservation, physicochemical variation, residue mobility, and thermodynamic stability) performed at Invitae indicates that this missense variant is not expected to disrupt MSH6 protein function with a negative predictive value of 95%. In summary, the available evidence is currently insufficient to determine the role of this variant in disease. Therefore, it has been classified as a Variant of Uncertain Significance.

NM_000179.3(MSH6):c.4022A>C (p.Glu1341Ala)

Gene: MSH6 (mutS homolog 6; plus strand). Cytogenetic location: 2p16.3.
Variant type: single nucleotide variant.
Coding change: c.4022A>C on transcript NM_000179.3 (MANE Select); coding-DNA position 4022, A replaced by C.
Protein change: p.Glu1341Ala; replaces glutamic acid 1341 with alanine.
Molecular consequence: missense variant. On other transcripts: 3 prime UTR variant (5), non-coding transcript variant (5).
Genome position (GRCh38, 1-based): chr2:47,806,799, A>C. VCF-style: chr2-47806799-A-C. GRCh37 (hg19) VCF-style: chr2-48033938-A-C.
Other names: c.3116A>C, p.Glu1039Ala (NM_001406811.1, NM_001406812.1, NM_001406814.1 and 6 more transcripts); c.4028A>C, p.Glu1343Ala (NM_001406813.1); c.2456A>C, p.Glu819Ala (NM_001406817.1); c.3725A>C, p.Glu1242Ala (NM_001406818.1, NM_001406819.1, NM_001406820.1 and 8 more transcripts); c.3632A>C, p.Glu1211Ala (NM_001281492.2); c.4118A>C, p.Glu1373Ala (NM_001406795.1); c.4022A>C, p.Glu1341Ala (NM_001406796.1, NM_001406809.1); c.3848A>C, p.Glu1283Ala (NM_001406798.1); and 9 more; short protein forms E1283A, E1341A, E1343A, E268A, E656A, E1211A, E1285A, E1373A.
Identifiers: ClinVar variation 3681647 (VCV003681647.2).